The following is an entry in ClinVar:

NM_004606.5(TAF1):c.3595C>T (p.Arg1199Trp)

Gene: TAF1 (TATA-box binding protein associated factor 1; plus strand). Cytogenetic location: Xq13.1.
Variant type: single nucleotide variant.
Coding change: c.3595C>T on transcript NM_004606.5 (MANE Select); coding-DNA position 3595, C replaced by T.
Protein change: p.Arg1199Trp; replaces arginine 1199 with tryptophan.
Molecular consequence: missense variant. On other transcripts: non-coding transcript variant (9).
Genome position (GRCh38, 1-based): chrX:71,397,441, C>T. VCF-style: chrX-71397441-C-T. GRCh37 (hg19) VCF-style: chrX-70617291-C-T.
Other names: c.3595C>T, p.Arg1199Trp (NM_001286074.2, NM_001440852.1, NM_001440853.1); c.3532C>T, p.Arg1178Trp (NM_001440854.1, NM_138923.4); short protein forms R1178W, R1199W.
Identifiers: ClinVar variation 4088048 (VCV004088048.1).

ClinVar aggregate classification (germline): Uncertain significance (1 of 4 stars; one submission).

Submission:

GeneDx
Classification: Uncertain significance. Last evaluated: 2025-03-28. Review status: criteria provided, single submitter. Criteria: GeneDx Variant Classification Process June 2021. Collection method: clinical testing. Allele origin: germline. Affected: yes.
Comment: Not observed at significant frequency in large population cohorts (gnomAD); In silico analysis supports that this missense variant has a deleterious effect on protein structure/function; Has not been previously published as pathogenic or benign to our knowledge